The following is an entry in ClinVar:

NM_001376.5(DYNC1H1):c.8178-17G>A

Gene: DYNC1H1 (dynein cytoplasmic 1 heavy chain 1; plus strand). Cytogenetic location: 14q32.31.
Variant type: single nucleotide variant.
Coding change: c.8178-17G>A on transcript NM_001376.5 (MANE Select); 17 bases into the intron before coding-DNA position 8178, G replaced by A.
Molecular consequence: intron variant.
Genome position (GRCh38, 1-based): chr14:102,018,434, G>A. VCF-style: chr14-102018434-G-A. GRCh37 (hg19) VCF-style: chr14-102484771-G-A.
Identifiers: ClinVar variation 383225 (VCV000383225.1), dbSNP rs1057521560, ClinGen allele CA16606488.
Genomic context (GRCh38, chr14:102,018,434, plus strand): 5'-GCGACTCCACTGGCACACTGCCCCTTCCTGGGAGGCGCTGTCAGGGAGGGGCGCTGAGCG[G>A]GGCTATCTGTGCACAGGTTCCTGCGCCACGTGCCTGTCGTGTATGTGGATTACCCGGGCC-3'

ClinVar aggregate classification (germline): Likely benign (1 of 4 stars; one submission).

Submission:

GeneDx
Classification: Likely benign. Last evaluated: 2016-02-04. Review status: criteria provided, single submitter. Criteria: GeneDx Variant Classification (06012015). Collection method: clinical testing. Allele origin: germline. Affected: yes.
Comment: This variant is considered likely benign or benign based on one or more of the following criteria: it is a conservative change, it occurs at a poorly conserved position in the protein, it is predicted to be benign by multiple in silico algorithms, and/or has population frequency not consistent with disease.